The following is an entry in ClinVar:

NM_003590.5(CUL3):c.1865del (p.Ile622fs)

Gene: CUL3 (cullin 3; minus strand). Cytogenetic location: 2q36.2.
Variant type: Deletion.
Coding change: c.1865del on transcript NM_003590.5 (MANE Select); coding-DNA position 1865, one base deleted (T; older notation c.1865delT).
Protein change: p.Ile622fs; shifts the reading frame from isoleucine 622.
Molecular consequence: frameshift variant.
Genome position (GRCh38, 1-based): chr2:224,482,056, A deleted on the plus strand (T on the coding strand, the reverse complement: CUL3 is on the minus strand). VCF-style (leftmost placement, unchanged base first): chr2-224482055-GA-G. GRCh37 (hg19) VCF-style: chr2-225346772-GA-G.
Other names: c.1667del, p.Ile556fs (NM_001257197.2); c.1883del, p.Ile628fs (NM_001257198.2); short protein forms I556fs, I622fs, I628fs.
Identifiers: ClinVar variation 4890659 (VCV004890659.1).

ClinVar aggregate classification (germline): Pathogenic (1 of 4 stars; one submission).

Conditions:
Neurodevelopmental disorder with or without autism or seizures (NEDAUS). Identifiers: MedGen C5543225, MONDO:0030994, OMIM 619239.

Submission:

Pediatric Endocrinology, Shandong Provincial Hospital Affiliated to Shandong First Medical University
Classification: Pathogenic for Neurodevelopmental disorder with or without autism or seizures. Last evaluated: 2025-09-01. Review status: criteria provided, single submitter. Criteria: ACMG Guidelines, 2015. Collection method: provider interpretation. Allele origin: germline. Inheritance: Autosomal dominant inheritance. Affected: yes. Observed: 1 variant allele, 1 homozygote.
Comment: This de novo heterozygous frameshift variant in CUL3, NM_003590.5:c.1865del, is predicted to cause a frameshift and premature termination of the encoded protein [p.(Ile622ThrfsTer32)]. The variant was absent from the gnomAD population database and was confirmed as de novo by parental Sanger sequencing. According to ACMG/AMP criteria, the variant was classified as pathogenic based on PVS1, PS2_Supporting, and PM2_Supporting. Loss-of-function variants and de novo variants in CUL3 have been reported to cause CUL3-related neurodevelopmental disorder with developmental delay, autistic features, and/or seizures.

Literature cited by the submitters: PubMed 39501558; PubMed 39301775; PubMed 32341456.